The following is an entry in ClinVar:

ClinVar aggregate classification (germline): Uncertain significance (1 of 4 stars; one submission).

Submission:

GeneDx
Classification: Uncertain significance. Last evaluated: 2021-04-28. Review status: criteria provided, single submitter. Criteria: GeneDx Variant Classification Process June 2021. Collection method: clinical testing. Allele origin: germline. Affected: yes.
Comment: Not observed in large population cohorts (Lek 2016); In silico analysis supports that this missense variant does not alter protein structure/function; Has not been previously published as pathogenic or benign to our knowledge

NM_024675.4(PALB2):c.1442T>C (p.Leu481Pro)

Gene: PALB2 (partner and localizer of BRCA2; minus strand). Cytogenetic location: 16p12.2.
Variant type: single nucleotide variant.
Coding change: c.1442T>C on transcript NM_024675.4 (MANE Select); coding-DNA position 1442, T replaced by C.
Protein change: p.Leu481Pro; replaces leucine 481 with proline.
Molecular consequence: missense variant.
Genome position (GRCh38, 1-based): chr16:23,635,104, A>G on the plus strand (T>C on the coding strand, the complement: PALB2 is on the minus strand). VCF-style: chr16-23635104-A-G. GRCh37 (hg19) VCF-style: chr16-23646425-A-G.
Other names: short protein forms L481P.
Identifiers: ClinVar variation 1317091 (VCV001317091.2), dbSNP rs2142415827, ClinGen allele CA395131254.